The following is an entry in ClinVar:

NM_001042492.3(NF1):c.4621_4622insG (p.Thr1541fs)

Gene: NF1 (neurofibromin 1; plus strand). Cytogenetic location: 17q11.2.
Variant type: Insertion.
Coding change: c.4621_4622insG on transcript NM_001042492.3 (MANE Select); coding-DNA positions 4621 to 4622, G inserted.
Protein change: p.Thr1541fs; shifts the reading frame from threonine 1541.
Molecular consequence: frameshift variant.
Genome position: GRCh38 VCF-style: chr17-31261754-A-AG. GRCh37 (hg19) VCF-style: chr17-29588772-A-AG.
Other names: c.4558_4559insG, p.Thr1520Serfs (NM_000267.4); short protein forms T1520fs, T1541fs.
Identifiers: ClinVar variation 959235 (VCV000959235.6), dbSNP rs2067690233, ClinGen allele CA1139665375.

ClinVar aggregate classification (germline): Pathogenic (1 of 4 stars; one submission).

Conditions:
Neurofibromatosis, type 1 (NF1). Also called: Peripheral type neurofibromatosis; VON RECKLINGHAUSEN DISEASE; NEUROFIBROMATOSIS, TYPE I, SOMATIC; Neurofibromatosis, type I. Identifiers: Orphanet 636, MedGen C0027831, MONDO:0018975, OMIM 162200. Disease mechanism: loss of function.

Submission:

Labcorp Genetics (formerly Invitae), Labcorp
Classification: Pathogenic for Neurofibromatosis, type 1. Last evaluated: 2020-01-31. Review status: criteria provided, single submitter. Criteria: Invitae Variant Classification Sherloc (09022015). Collection method: clinical testing. Allele origin: germline.
Comment: This variant is not present in population databases (ExAC no frequency). For these reasons, this variant has been classified as Pathogenic. Loss-of-function variants in NF1 are known to be pathogenic (PMID: 10712197, 23913538). This variant has not been reported in the literature in individuals with NF1-related conditions. This sequence change creates a premature translational stop signal (p.Thr1520Serfs*23) in the NF1 gene. It is expected to result in an absent or disrupted protein product.

Literature cited by the submitters: PubMed 10712197; PubMed 23913538.